The following is an entry in ClinVar:

NM_000038.6(APC):c.3869A>C (p.Asn1290Thr)

Gene: APC (APC regulator of Wnt signaling pathway; plus strand). Cytogenetic location: 5q22.2.
Variant type: single nucleotide variant.
Coding change: c.3869A>C on transcript NM_000038.6 (MANE Select); coding-DNA position 3869, A replaced by C.
Protein change: p.Asn1290Thr; replaces asparagine 1290 with threonine.
Molecular consequence: missense variant.
Genome position (GRCh38, 1-based): chr5:112,839,463, A>C. VCF-style: chr5-112839463-A-C. GRCh37 (hg19) VCF-style: chr5-112175160-A-C.
Other names: c.3692A>C, p.Asn1231Thr (NM_001354901.2); c.3596A>C, p.Asn1199Thr (NM_001354902.2); c.3566A>C, p.Asn1189Thr (NM_001354903.2); c.3491A>C, p.Asn1164Thr (NM_001354904.2); c.3389A>C, p.Asn1130Thr (NM_001354905.2); c.3020A>C, p.Asn1007Thr (NM_001354906.2); c.3869A>C, p.Asn1290Thr (NM_001127510.3, NM_001354895.2); c.3815A>C, p.Asn1272Thr (NM_001127511.3); and 5 more; short protein forms N1272T, N1290T, N1265T, N1007T, N1164T, N1231T, N1249T, N1308T.
Identifiers: ClinVar variation 489447 (VCV000489447.12), dbSNP rs1554085358, ClinGen allele CA16029820.
Genomic context (GRCh38, chr5:112,839,463, plus strand): 5'-GTTTTTCAAGATGTAGTTCATTATCATCTTTGTCATCAGCTGAAGATGAAATAGGATGTA[A>C]TCAGACGACACAGGAAGCAGATTCTGCTAATACCCTGCAAATAGCAGAAATAAAAGAAAA-3'
Protein context (NP_000029.2, residues 1280-1300): LSSAEDEIGC[Asn1290Thr]QTTQEADSAN

ClinVar aggregate classification (germline): Uncertain significance. Review status: criteria provided, multiple submitters, no conflicts (2 of 4 stars). 3 submissions from 3 submitters: Uncertain significance (3). Last evaluated 2025-05-05.

Conditions:
Familial adenomatous polyposis 1 (FAP1). Also called: POLYPOSIS, ADENOMATOUS INTESTINAL; FAMILIAL ADENOMATOUS POLYPOSIS 1, ATTENUATED. Identifiers: MedGen C2713442, MONDO:0021056, OMIM 175100. Disease mechanism: loss of function.
Hereditary cancer-predisposing syndrome. Also called: Hereditary Cancer Syndrome; Neoplastic Syndromes, Hereditary; Tumor predisposition; Hereditary neoplastic syndrome. Identifiers: Orphanet 140162, MedGen C0027672, MeSH D009386, MONDO:0015356.

Submissions (3):

Ambry Genetics
Classification: Uncertain significance for Hereditary cancer-predisposing syndrome. Last evaluated: 2025-05-05. Review status: criteria provided, single submitter. Criteria: Ambry Variant Classification Scheme 2023. Collection method: clinical testing. Allele origin: germline.
Comment: The p.N1290T variant (also known as c.3869A>C), located in coding exon 15 of the APC gene, results from an A to C substitution at nucleotide position 3869. The asparagine at codon 1290 is replaced by threonine, an amino acid with similar properties. This amino acid position is poorly conserved in available vertebrate species. In addition, in silico predictors for this gene do not accurately predict pathogenicity. Missense alterations in APC are not a common cause of disease (Spier I et al. Genet Med. 2024 Feb;26(2):100992). Based on the available evidence, the clinical significance of this variant remains unclear.

Color Diagnostics, LLC DBA Color Health
Classification: Uncertain significance for Hereditary cancer-predisposing syndrome. Last evaluated: 2023-12-05. Review status: criteria provided, single submitter. Criteria: ACMG Guidelines, 2015. Collection method: clinical testing. Allele origin: germline.
Comment: This missense variant replaces asparagine with threonine at codon 1290 of the APC protein. Computational prediction suggests that this variant may not impact protein structure and function (internally defined REVEL score threshold <= 0.5, PMID: 27666373). To our knowledge, functional studies have not been reported for this variant. This variant has not been reported in individuals affected with APC-related disorders in the literature. This variant has not been identified in the general population by the Genome Aggregation Database (gnomAD). The available evidence is insufficient to determine the role of this variant in disease conclusively. Therefore, this variant is classified as a Variant of Uncertain Significance.

Labcorp Genetics (formerly Invitae), Labcorp
Classification: Uncertain significance for Familial adenomatous polyposis 1. Last evaluated: 2023-11-14. Review status: criteria provided, single submitter. Criteria: Invitae Variant Classification Sherloc (09022015). Collection method: clinical testing. Allele origin: germline.
Comment: This sequence change replaces asparagine, which is neutral and polar, with threonine, which is neutral and polar, at codon 1290 of the APC protein (p.Asn1290Thr). This variant is not present in population databases (gnomAD no frequency). This variant has not been reported in the literature in individuals affected with APC-related conditions. ClinVar contains an entry for this variant (Variation ID: 489447). Advanced modeling of protein sequence and biophysical properties (such as structural, functional, and spatial information, amino acid conservation, physicochemical variation, residue mobility, and thermodynamic stability) performed at Invitae indicates that this missense variant is not expected to disrupt APC protein function with a negative predictive value of 95%. In summary, the available evidence is currently insufficient to determine the role of this variant in disease. Therefore, it has been classified as a Variant of Uncertain Significance.